The following is an entry in ClinVar:

NM_006767.4(LZTR1):c.1866_1867dup (p.Pro623fs)

Gene: LZTR1 (leucine zipper like post translational regulator 1; plus strand). Cytogenetic location: 22q11.21.
Variant type: Microsatellite.
Coding change: c.1866_1867dup on transcript NM_006767.4 (MANE Select); coding-DNA positions 1866 to 1867, 2 bases duplicated (TC; older notation c.1866_1867dupTC).
Protein change: p.Pro623fs; shifts the reading frame from proline 623.
Molecular consequence: frameshift variant.
Genome position (GRCh38, 1-based): chr22:20,994,950-20,994,951, TC duplicated; duplicating any 2 consecutive bases within chr22:20,994,947-20,994,951 gives the same sequence; the c. name uses the placement nearest the transcript's 3' end. VCF-style (leftmost placement, unchanged base first): chr22-20994946-C-CCT. GRCh37 (hg19) VCF-style: chr22-21349235-C-CCT.
Other names: c.1866_1867dupTC (NM_006767.3); c.1866_1867dup (NM_006767.3); short protein forms P623fs.
Identifiers: ClinVar variation 817438 (VCV000817438.2), dbSNP rs1601722136, ClinGen allele CA915952764.

ClinVar aggregate classification (germline): Likely pathogenic (1 of 4 stars; one submission).

Submission:

GeneDx
Classification: Likely pathogenic. Last evaluated: 2026-09-23. Review status: criteria provided, single submitter. Criteria: GeneDx Variant Classification Process June 2021. Collection method: clinical testing. Allele origin: germline.
Comment: Frameshift variant predicted to result in protein truncation or nonsense mediated decay in a gene for which loss of function is a known mechanism of disease; Not observed at significant frequency in large population cohorts (gnomAD); Has not been previously published as pathogenic or benign to our knowledge